The following is an entry in ClinVar:

ClinVar aggregate classification (germline): Benign (1 of 4 stars; one submission).

Conditions:
Autoimmune lymphoproliferative syndrome type 1. Also called: AUTOIMMUNE LYMPHOPROLIFERATIVE SYNDROME, TYPE I, AUTOSOMAL DOMINANT. Identifiers: Orphanet 3261, MedGen C2717884, MONDO:0011158, OMIM 601859.

Allele frequency attached by ClinVar (database versions not stated): 1000 Genomes Project 30x 0.00062; gnomAD 0.00049 and 0.00052; TOPMed 0.00073; 1000 Genomes Project 0.00080.

Submission:

Illumina Laboratory Services, Illumina
Classification: Benign for Autoimmune lymphoproliferative syndrome type 1. Last evaluated: 2018-01-13. Review status: criteria provided, single submitter. Criteria: ICSL Variant Classification Criteria 13 December 2019. Collection method: clinical testing. Allele origin: germline.
Comment: This variant was observed in the ICSL laboratory as part of a predisposition screen in an ostensibly healthy population. It had not been previously curated by ICSL or reported in the Human Gene Mutation Database (HGMD: prior to June 1st, 2018), and was therefore a candidate for classification through an automated scoring system. Utilizing variant allele frequency, disease prevalence and penetrance estimates, and inheritance mode, an automated score was calculated to assess if this variant is too frequent to cause the disease. Based on the score and internal cut-off values, a variant classified as benign is not then subjected to further curation. The score for this variant resulted in a classification of benign for this disease.

NM_000639.3(FASLG):c.*754G>A

Gene: FASLG (Fas ligand; plus strand). Cytogenetic location: 1q24.3.
Variant type: single nucleotide variant.
Coding change: c.*754G>A on transcript NM_000639.3 (MANE Select); 754 bases downstream of the stop codon, G replaced by A.
Molecular consequence: 3 prime UTR variant.
Genome position (GRCh38, 1-based): chr1:172,666,770, G>A. VCF-style: chr1-172666770-G-A. GRCh37 (hg19) VCF-style: chr1-172635910-G-A.
Other names: c.*1170G>A (NM_001302746.2).
Identifiers: ClinVar variation 293756 (VCV000293756.5), dbSNP rs55779656, ClinGen allele CA10608830.